The following is an entry in ClinVar:

ClinVar aggregate classification (germline): Benign. Review status: criteria provided, single submitter (1 of 4 stars). 2 submissions from 1 submitter: Benign (2). Last evaluated 2018-01-13.

Conditions:
Susceptibility to mononeuropathy of the median nerve, mild. Also called: CARPAL TUNNEL SYNDROME, SUSCEPTIBILITY TO. Identifiers: MedGen C3150596, MONDO:0013237, OMIM 613353.
Charcot-Marie-Tooth disease type 4C (CMT4C). Also called: CMT 4C; SH3TC2-Related Hereditary Motor and Sensory Neuropathy; Charcot-Marie-Tooth Neuropathy Type 4C (CMT4C); CHARCOT-MARIE-TOOTH DISEASE, DEMYELINATING, TYPE 4C; CHARCOT-MARIE-TOOTH DISEASE, DEMYELINATING, AUTOSOMAL RECESSIVE, TYPE 4C. Identifiers: Orphanet 99949, MedGen C1866636, MONDO:0011113, OMIM 601596.

Allele frequency attached by ClinVar (database versions not stated): gnomAD 0.00526 and 0.00555; TOPMed 0.00568; 1000 Genomes Project 0.00699; 1000 Genomes Project 30x 0.00765.
gnomAD v4.1: 773 of 148,834 alleles (0.52%); highest among the groups gnomAD compares: African/African-American, 1.8%; 10 homozygotes.

Submissions (2):

Illumina Laboratory Services, Illumina
Classification: Benign for Susceptibility to mononeuropathy of the median nerve, mild. Last evaluated: 2018-01-13. Review status: criteria provided, single submitter. Criteria: ICSL Variant Classification Criteria 13 December 2019. Collection method: clinical testing. Allele origin: germline.
Comment: This variant was observed in the ICSL laboratory as part of a predisposition screen in an ostensibly healthy population. It had not been previously curated by ICSL or reported in the Human Gene Mutation Database (HGMD: prior to June 1st, 2018), and was therefore a candidate for classification through an automated scoring system. Utilizing variant allele frequency, disease prevalence and penetrance estimates, and inheritance mode, an automated score was calculated to assess if this variant is too frequent to cause the disease. Based on the score and internal cut-off values, a variant classified as benign is not then subjected to further curation. The score for this variant resulted in a classification of benign for this disease.

Illumina Laboratory Services, Illumina
Classification: Benign for Charcot-Marie-Tooth disease type 4C. Last evaluated: 2018-01-13. Review status: criteria provided, single submitter. Criteria: ICSL Variant Classification Criteria 13 December 2019. Collection method: clinical testing. Allele origin: germline.
Comment: the same text as in the submission from Illumina Laboratory Services, Illumina above.

NM_024577.4(SH3TC2):c.*12190G>A

Gene: SH3TC2 (SH3 domain and tetratricopeptide repeats 2; minus strand). Cytogenetic location: 5q32.
Variant type: single nucleotide variant.
Coding change: c.*12190G>A on transcript NM_024577.4 (MANE Select); 12190 bases downstream of the stop codon, G replaced by A.
Molecular consequence: 3 prime UTR variant.
Genome position (GRCh38, 1-based): chr5:148,992,521, C>T on the plus strand (G>A on the coding strand, the complement: SH3TC2 is on the minus strand). VCF-style: chr5-148992521-C-T. GRCh37 (hg19) VCF-style: chr5-148372084-C-T.
Identifiers: ClinVar variation 907315 (VCV000907315.4), dbSNP rs116091693, ClinGen allele CA128988130.
Genomic context (GRCh38, chr5:148,992,521, plus strand): 5'-AACCCTGGACAGGTCCTGACAGATTACCGAGACTGAGGTTTTTAACTCATCATCCTTGGG[C>T]GTGCATTAAAGGGTCCATGAGGCCTTTGAAAGTATGTGTATGGGTGTGTATACATAATTC-3'